The following is an entry in ClinVar:

NM_013432.5(TONSL):c.3430G>A (p.Gly1144Ser)

Gene: TONSL (tonsoku like, DNA repair protein; minus strand). Cytogenetic location: 8q24.3.
Variant type: single nucleotide variant.
Coding change: c.3430G>A on transcript NM_013432.5 (MANE Select); coding-DNA position 3430, G replaced by A.
Protein change: p.Gly1144Ser; replaces glycine 1144 with serine.
Molecular consequence: missense variant.
Genome position (GRCh38, 1-based): chr8:144,433,717, C>T on the plus strand (G>A on the coding strand, the complement: TONSL is on the minus strand). VCF-style: chr8-144433717-C-T. GRCh37 (hg19) VCF-style: chr8-145659100-C-T.
Other names: c.3430G>A (NM_013432.4); short protein forms G1144S.
Identifiers: ClinVar variation 3607563 (VCV003607563.3).
Genomic context (GRCh38, chr8:144,433,717, plus strand): 5'-GGCGCAGGGTGCTGAGTAAGGGGCAGGCGTGCAGGAGGGAGGCCAGGGACTGGCCACAGC[C>T]GTCCCCCAGGGGGTTCATGCTTAAGTCCAGCTCCTCCAAACTCTGTGGAAGACACAGGCT-3'
Protein context (NP_038460.4, residues 1134-1154): LDLSMNPLGD[Gly1144Ser]CGQSLASLLH

ClinVar aggregate classification (germline): Uncertain significance. Review status: criteria provided, multiple submitters, no conflicts (2 of 4 stars). 2 submissions from 2 submitters: Uncertain significance (2). Last evaluated 2025-06-18.

Conditions:
Inborn genetic diseases. Identifiers: MedGen C0950123, MeSH D030342.

gnomAD v4.1: 39 of 1,606,930 alleles (0.0024%); highest among the groups gnomAD compares: Admixed American, 0.0034%; no homozygotes.

Submissions (2):

Ambry Genetics
Classification: Uncertain significance for Inborn genetic diseases. Last evaluated: 2025-06-18. Review status: criteria provided, single submitter. Criteria: Ambry Variant Classification Scheme 2023. Collection method: clinical testing. Allele origin: germline.

Labcorp Genetics (formerly Invitae), Labcorp
Classification: Uncertain significance. Last evaluated: 2024-10-15. Review status: criteria provided, single submitter. Criteria: Invitae Variant Classification Sherloc (09022015). Collection method: clinical testing. Allele origin: germline.
Comment: This sequence change replaces glycine, which is neutral and non-polar, with serine, which is neutral and polar, at codon 1144 of the TONSL protein (p.Gly1144Ser). This variant is present in population databases (rs151224603, gnomAD 0.003%). This variant has not been reported in the literature in individuals affected with TONSL-related conditions. Invitae Evidence Modeling of protein sequence and biophysical properties (such as structural, functional, and spatial information, amino acid conservation, physicochemical variation, residue mobility, and thermodynamic stability) indicates that this missense variant is not expected to disrupt TONSL protein function with a negative predictive value of 80%. In summary, the available evidence is currently insufficient to determine the role of this variant in disease. Therefore, it has been classified as a Variant of Uncertain Significance.